The following is an entry in ClinVar:

NM_001605.3(AARS1):c.111dup (p.Thr38fs)

Gene: AARS1 (alanyl-tRNA synthetase 1; minus strand). Cytogenetic location: 16q22.1.
Variant type: Duplication.
Coding change: c.111dup on transcript NM_001605.3 (MANE Select); coding-DNA position 111, one base duplicated (C; older notation c.111dupC).
Protein change: p.Thr38fs; shifts the reading frame from threonine 38.
Molecular consequence: frameshift variant.
Genome position (GRCh38, 1-based): chr16:70,282,653, G duplicated on the plus strand (C on the coding strand, the reverse complement: AARS1 is on the minus strand); the first of 4 consecutive G bases (chr16:70,282,653-70,282,656); duplicating any one gives the same sequence. VCF-style (leftmost placement, unchanged base first): chr16-70282652-T-TG. GRCh37 (hg19) VCF-style: chr16-70316555-T-TG.
Other names: c.111dupC (NM_001605.2); short protein forms T38fs.
Identifiers: ClinVar variation 652115 (VCV000652115.8), dbSNP rs1597448762, ClinGen allele CA915949343.

ClinVar aggregate classification (germline): Pathogenic (1 of 4 stars; one submission).

Conditions:
Charcot-Marie-Tooth disease type 2. Also called: Charcot-Marie-Tooth type 2. Identifiers: Orphanet 64746, MedGen C0270914, MONDO:0018993.

Submission:

Labcorp Genetics (formerly Invitae), Labcorp
Classification: Pathogenic for Charcot-Marie-Tooth disease type 2. Last evaluated: 2023-08-10. Review status: criteria provided, single submitter. Criteria: Invitae Variant Classification Sherloc (09022015). Collection method: clinical testing. Allele origin: germline.
Comment: For these reasons, this variant has been classified as Pathogenic. ClinVar contains an entry for this variant (Variation ID: 652115). This variant has not been reported in the literature in individuals affected with AARS-related conditions. This variant is not present in population databases (gnomAD no frequency). This sequence change creates a premature translational stop signal (p.Thr38Hisfs*13) in the AARS gene. It is expected to result in an absent or disrupted protein product. Loss-of-function variants in AARS are known to be pathogenic (PMID: 25817015, 28493438, 34446925).

Literature cited by the submitters: PubMed 25817015; PubMed 28493438; PubMed 34446925.